The following is an entry in ClinVar:

ClinVar aggregate classification (germline): Uncertain significance (1 of 4 stars; one submission).

Conditions:
Hereditary cancer-predisposing syndrome. Also called: Neoplastic Syndromes, Hereditary; Tumor predisposition; Hereditary Cancer Syndrome; Hereditary neoplastic syndrome. Identifiers: Orphanet 140162, MedGen C0027672, MeSH D009386, MONDO:0015356.

Submission:

Ambry Genetics
Classification: Uncertain significance for Hereditary cancer-predisposing syndrome. Last evaluated: 2026-02-27. Review status: criteria provided, single submitter. Criteria: Ambry Variant Classification Scheme 2023. Collection method: clinical testing. Allele origin: germline.
Comment: The p.G392D variant (also known as c.1175G>A), located in coding exon 8 of the ATM gene, results from a G to A substitution at nucleotide position 1175. The glycine at codon 392 is replaced by aspartic acid, an amino acid with similar properties. This amino acid position is highly conserved in available vertebrate species. In addition, this alteration is predicted to be tolerated by in silico analysis. Based on the available evidence, the clinical significance of this variant remains unclear.

NM_000051.4(ATM):c.1175G>A (p.Gly392Asp)

Gene: ATM (ATM serine/threonine kinase; plus strand). Cytogenetic location: 11q22.3.
Variant type: single nucleotide variant.
Coding change: c.1175G>A on transcript NM_000051.4 (MANE Select); coding-DNA position 1175, G replaced by A.
Protein change: p.Gly392Asp; replaces glycine 392 with aspartic acid.
Molecular consequence: missense variant.
Genome position (GRCh38, 1-based): chr11:108,249,042, G>A. VCF-style: chr11-108249042-G-A. GRCh37 (hg19) VCF-style: chr11-108119769-G-A.
Other names: c.1175G>A, p.Gly392Asp (NM_001351834.2); short protein forms G392D.
Identifiers: ClinVar variation 4825536 (VCV004825536.1).